The following is an entry in ClinVar:

ClinVar aggregate classification (germline): Pathogenic (1 of 4 stars; one submission).

Conditions:
Familial adenomatous polyposis 1 (FAP1). Also called: POLYPOSIS, ADENOMATOUS INTESTINAL; FAMILIAL ADENOMATOUS POLYPOSIS 1, ATTENUATED. Identifiers: MedGen C2713442, MONDO:0021056, OMIM 175100. Disease mechanism: loss of function.

Submission:

Myriad Genetics, Inc.
Classification: Pathogenic for Familial adenomatous polyposis 1. Last evaluated: 2023-05-11. Review status: criteria provided, single submitter. Criteria: Myriad Autosomal Dominant, Autosomal Recessive and X-Linked Classification Criteria (2023). Collection method: clinical testing. Allele origin: unknown.
Comment: This variant is considered pathogenic. This variant creates a frameshift predicted to result in premature protein truncation.

NM_000038.6(APC):c.4594del (p.Asp1532fs)

Gene: APC (APC regulator of Wnt signaling pathway; plus strand). Cytogenetic location: 5q22.2.
Variant type: Deletion.
Coding change: c.4594del on transcript NM_000038.6 (MANE Select); coding-DNA position 4594, one base deleted (G; older notation c.4594delG).
Protein change: p.Asp1532fs; shifts the reading frame from aspartic acid 1532.
Molecular consequence: frameshift variant. On other transcripts: non-coding transcript variant (2).
Genome position (GRCh38, 1-based): chr5:112,840,188, G deleted. VCF-style (leftmost placement, unchanged base first): chr5-112840187-TG-T. GRCh37 (hg19) VCF-style: chr5-112175884-TG-T.
Other names: c.4594del, p.Asp1532fs (NM_001127510.3, NM_001354895.2, NM_001407450.1); c.4540del, p.Asp1514fs (NM_001127511.3); c.4648del, p.Asp1550fs (NM_001354896.2, NM_001407447.1, NM_001407448.1 and 1 more transcripts); c.4624del, p.Asp1542fs (NM_001354897.2); c.4519del, p.Asp1507fs (NM_001354898.2); c.4510del, p.Asp1504fs (NM_001354899.2); c.4471del, p.Asp1491fs (NM_001354900.2); c.4417del, p.Asp1473fs (NM_001354901.2, NM_001407453.1); and 11 more; short protein forms D1148fs, D1249fs, D1372fs, D1403fs, D1406fs, D1431fs, D1441fs, D1449fs.
Identifiers: ClinVar variation 2583614 (VCV002583614.2), dbSNP rs2533585099, ClinGen allele CA2582341323.